The following is an entry in ClinVar:

NM_004006.2(DMD):c.-72562A>G

Gene: DMD (dystrophin; minus strand). Cytogenetic location: Xp21.1.
Variant type: single nucleotide variant.
Coding change: c.-72562A>G on transcript NM_004006.2; 72562 bases upstream of the start codon, A replaced by G.
Molecular consequence: intron variant (on NM_000109.4).
Genome position (GRCh38, 1-based): chrX:33,283,874, T>C on the plus strand (A>G on the coding strand, the complement: DMD is on the minus strand). VCF-style: chrX-33283874-T-C. GRCh37 (hg19) VCF-style: chrX-33301991-T-C.
Other names: c.7+55385A>G (NM_000109.4).
Identifiers: ClinVar variation 137115 (VCV000137115.3), dbSNP rs113880711, ClinGen allele CA290635.

ClinVar aggregate classification (germline): Benign (1 of 4 stars; one submission).

Submission:

GeneDx
Classification: Benign. Last evaluated: 2013-10-23. Review status: criteria provided, single submitter. Criteria: GeneDx Variant Classification (06012015). Collection method: clinical testing. Allele origin: germline. Affected: yes.
Comment: This variant is considered likely benign or benign based on one or more of the following criteria: it is a conservative change, it occurs at a poorly conserved position in the protein, it is predicted to be benign by multiple in silico algorithms, and/or has population frequency not consistent with disease.